The following is an entry in ClinVar:

NM_014045.5(LRP10):c.725G>A (p.Gly242Asp)

Gene: LRP10 (LDL receptor related protein 10; plus strand). Cytogenetic location: 14q11.2.
Variant type: single nucleotide variant.
Coding change: c.725G>A on transcript NM_014045.5 (MANE Select); coding-DNA position 725, G replaced by A.
Protein change: p.Gly242Asp; replaces glycine 242 with aspartic acid.
Molecular consequence: missense variant.
Genome position (GRCh38, 1-based): chr14:22,875,673, G>A. VCF-style: chr14-22875673-G-A. GRCh37 (hg19) VCF-style: chr14-23344882-G-A.
Other names: p.Gly242Asp; c.725G>A, p.Gly242Asp (NM_001329226.2); short protein forms G242D.
Identifiers: ClinVar variation 4541819 (VCV004541819.1).

ClinVar aggregate classification (germline): Uncertain significance (1 of 4 stars; one submission).

gnomAD v4.1: 3 of 1,614,158 alleles (0.00019%); highest among the groups gnomAD compares: Non-Finnish European, 0.00017%; no homozygotes.

Submission:

Mayo Clinic Laboratories, Mayo Clinic
Classification: Uncertain significance. Last evaluated: 2025-03-28. Review status: criteria provided, single submitter. Criteria: ACMG Guidelines, 2015. Collection method: clinical testing. Allele origin: germline. Observed: 1 variant allele.
Comment: BP4_moderate, PM2_supporting